The following is an entry in ClinVar:

ClinVar aggregate classification (germline): Uncertain significance (1 of 4 stars; one submission).

Conditions:
Baller-Gerold syndrome (BGS). Also called: CRANIOSYNOSTOSIS WITH RADIAL DEFECTS. Identifiers: Orphanet 1225, MedGen C0265308, MONDO:0009039, OMIM 218600.

gnomAD v4.1: 1 of 1,607,382 alleles (0.000062%); highest among the groups gnomAD compares: Non-Finnish European, 0.000085%; no homozygotes.

Submission:

Labcorp Genetics (formerly Invitae), Labcorp
Classification: Uncertain significance for Baller-Gerold syndrome. Last evaluated: 2025-09-15. Review status: criteria provided, single submitter. Criteria: Invitae Variant Classification Sherloc (09022015). Collection method: clinical testing. Allele origin: germline.
Comment: This sequence change replaces valine, which is neutral and non-polar, with methionine, which is neutral and non-polar, at codon 769 of the RECQL4 protein (p.Val769Met). This variant is not present in population databases (gnomAD no frequency). This variant has not been reported in the literature in individuals affected with RECQL4-related conditions. ClinVar contains an entry for this variant (Variation ID: 3642583). Invitae Evidence Modeling of protein sequence and biophysical properties (such as structural, functional, and spatial information, amino acid conservation, physicochemical variation, residue mobility, and thermodynamic stability) indicates that this missense variant is expected to disrupt RECQL4 protein function with a positive predictive value of 80%. In summary, the available evidence is currently insufficient to determine the role of this variant in disease. Therefore, it has been classified as a Variant of Uncertain Significance.

NM_004260.4(RECQL4):c.2305G>A (p.Val769Met)

Gene: RECQL4 (RecQ like helicase 4; minus strand). Cytogenetic location: 8q24.3.
Variant type: single nucleotide variant.
Coding change: c.2305G>A on transcript NM_004260.4 (MANE Select); coding-DNA position 2305, G replaced by A.
Protein change: p.Val769Met; replaces valine 769 with methionine.
Molecular consequence: missense variant. On other transcripts: non-coding transcript variant (3), intron variant (3).
Genome position (GRCh38, 1-based): chr8:144,513,376, C>T on the plus strand (G>A on the coding strand, the complement: RECQL4 is on the minus strand). VCF-style: chr8-144513376-C-T. GRCh37 (hg19) VCF-style: chr8-145738759-C-T.
Other names: c.1168G>A, p.Val390Met (NM_001413041.1, NM_001413027.1, NM_001413030.1 and 1 more transcripts); c.1204G>A, p.Val402Met (NM_001413042.1); c.838G>A, p.Val280Met (NM_001413043.1); c.2169+40G>A (NM_001413017.1); c.2265+40G>A (NM_001413018.1); c.1194+40G>A (NM_001413038.1); c.2209G>A, p.Val737Met (NM_001413020.1); c.1234G>A, p.Val412Met (NM_001413021.1, NM_001413022.1, NM_001413023.1 and 5 more transcripts); and 7 more; short protein forms V402M, V652M, V737M, V769M, V280M, V412M, V726M, V346M.
Identifiers: ClinVar variation 3642583 (VCV003642583.2).